The following is an entry in ClinVar:

NM_000091.5(COL4A3):c.698G>T (p.Gly233Val)

Genes: COL4A3 (collagen type IV alpha 3 chain; plus strand), MFF-DT (MFF divergent transcript; minus strand). Cytogenetic location: 2q36.3.
Variant type: single nucleotide variant.
Coding change: c.698G>T on transcript NM_000091.5 (MANE Select); coding-DNA position 698, G replaced by T.
Protein change: p.Gly233Val; replaces glycine 233 with valine.
Molecular consequence: missense variant.
Genome position (GRCh38, 1-based): chr2:227,253,571, G>T. VCF-style: chr2-227253571-G-T. GRCh37 (hg19) VCF-style: chr2-228118287-G-T.
Other names: short protein forms G233V.
Identifiers: ClinVar variation 3066279 (VCV003066279.1), dbSNP rs1453982069, ClinGen allele CA350864898.

ClinVar aggregate classification (germline): Likely pathogenic (1 of 4 stars; one submission).

Conditions:
Autosomal dominant Alport syndrome (ATS3A). Also called: ALPORT SYNDROME 3A, AUTOSOMAL DOMINANT; Alport syndrome dominant type; Renal failure and sensorineural hearing loss. Identifiers: Orphanet 63, Orphanet 88918, MedGen C5882663, MONDO:0007086, OMIM 104200.

Submission:

MVZ Medizinische Genetik Mainz
Classification: Likely pathogenic for Autosomal dominant Alport syndrome. Last evaluated: 2024-03-04. Review status: criteria provided, single submitter. Criteria: UK Practice Guidelines For Variant Classification V4 01 2020. Collection method: clinical testing. Allele origin: germline. Inheritance: Autosomal dominant inheritance. Affected: yes. Observed: 1 variant allele.
Comment: ACMG Criteria: PM1_STR,PM5,PM2_SUP,PP3,PP4